The following is an entry in ClinVar:

ClinVar aggregate classification (germline): Uncertain significance. Review status: criteria provided, multiple submitters, no conflicts (2 of 4 stars). 4 submissions from 4 submitters: Uncertain significance (4). Last evaluated 2026-02-16.

Conditions:
Inborn genetic diseases. Identifiers: MedGen C0950123, MeSH D030342.
Spondylodysplastic Ehlers-Danlos syndrome. Identifiers: Orphanet 536471, Orphanet 75496, MedGen C5680154, MONDO:0007526.

Allele frequency attached by ClinVar (database versions not stated): ExAC 0.00001; gnomAD 0.00002; gnomAD exomes 0.00001 and 0.00003; TOPMed 0.00003.
gnomAD v4.1: 26 of 1,613,994 alleles (0.0016%); highest among the groups gnomAD compares: African/African-American, 0.0027%; no homozygotes.

Submissions (4):

Women's Health and Genetics/Laboratory Corporation of America, LabCorp
Classification: Uncertain significance. Last evaluated: 2026-02-16. Review status: criteria provided, single submitter. Criteria: LabCorp Variant Classification Summary - May 2015. Collection method: clinical testing. Allele origin: germline.
Comment: Variant summary: B4GALT7 c.514G>A (p.Glu172Lys) results in a conservative amino acid change located in the N-terminal region of glycosyl transferase group 7 domain of the encoded protein sequence. Algorithms developed to predict the effect of missense changes on protein structure and function are either unavailable or do not agree on the potential impact of this missense change. The variant allele was found at a frequency of 2.8e-05 in 251358 control chromosomes. The available data on variant occurrences in the general population are insufficient to allow any conclusion about variant significance. To our knowledge, no occurrence of c.514G>A in individuals affected with B4GALT7-related conditions and no experimental evidence demonstrating its impact on protein function have been reported. ClinVar contains an entry for this variant (Variation ID: 1201440). Based on the evidence outlined above, the variant was classified as uncertain significance.

Labcorp Genetics (formerly Invitae), Labcorp
Classification: Uncertain significance for Spondylodysplastic Ehlers-Danlos syndrome. Last evaluated: 2024-10-23. Review status: criteria provided, single submitter. Criteria: Invitae Variant Classification Sherloc (09022015). Collection method: clinical testing. Allele origin: germline.
Comment: This sequence change replaces glutamic acid, which is acidic and polar, with lysine, which is basic and polar, at codon 172 of the B4GALT7 protein (p.Glu172Lys). This variant is present in population databases (rs749164672, gnomAD 0.04%). This variant has not been reported in the literature in individuals affected with B4GALT7-related conditions. ClinVar contains an entry for this variant (Variation ID: 1201440). Invitae Evidence Modeling of protein sequence and biophysical properties (such as structural, functional, and spatial information, amino acid conservation, physicochemical variation, residue mobility, and thermodynamic stability) indicates that this missense variant is not expected to disrupt B4GALT7 protein function with a negative predictive value of 80%. In summary, the available evidence is currently insufficient to determine the role of this variant in disease. Therefore, it has been classified as a Variant of Uncertain Significance.

Ambry Genetics
Classification: Uncertain significance for Inborn genetic diseases. Last evaluated: 2024-07-16. Review status: criteria provided, single submitter. Criteria: Ambry Variant Classification Scheme 2023. Collection method: clinical testing. Allele origin: germline.

GeneDx
Classification: Uncertain significance. Last evaluated: 2021-05-06. Review status: criteria provided, single submitter. Criteria: GeneDx Variant Classification Process June 2021. Collection method: clinical testing. Allele origin: germline. Affected: yes.
Comment: Has not been previously published as pathogenic or benign to our knowledge; In silico analysis, which includes protein predictors and evolutionary conservation, supports that this variant does not alter protein structure/function

NM_007255.3(B4GALT7):c.514G>A (p.Glu172Lys)

Gene: B4GALT7 (beta-1,4-galactosyltransferase 7; plus strand). Cytogenetic location: 5q35.3.
Variant type: single nucleotide variant.
Coding change: c.514G>A on transcript NM_007255.3 (MANE Select); coding-DNA position 514, G replaced by A.
Protein change: p.Glu172Lys; replaces glutamic acid 172 with lysine.
Molecular consequence: missense variant.
Genome position (GRCh38, 1-based): chr5:177,607,402, G>A. VCF-style: chr5-177607402-G-A. GRCh37 (hg19) VCF-style: chr5-177034403-G-A.
Other names: short protein forms E172K.
Identifiers: ClinVar variation 1201440 (VCV001201440.12), dbSNP rs749164672, ClinGen allele CA3586519.